The following is an entry in ClinVar:

NM_138694.4(PKHD1):c.6687T>C (p.Ser2229=)

Gene: PKHD1 (PKHD1 ciliary IPT domain containing fibrocystin/polyductin; minus strand). Cytogenetic location: 6p12.2.
Variant type: single nucleotide variant.
Coding change: c.6687T>C on transcript NM_138694.4 (MANE Select); coding-DNA position 6687, T replaced by C.
Protein change: p.Ser2229=; no amino-acid change (serine 2229 retained).
Molecular consequence: synonymous variant.
Genome position (GRCh38, 1-based): chr6:51,906,336, A>G on the plus strand (T>C on the coding strand, the complement: PKHD1 is on the minus strand). VCF-style: chr6-51906336-A-G. GRCh37 (hg19) VCF-style: chr6-51771134-A-G.
Other names: c.6687T>C, p.Ser2229= (NM_170724.3).
Identifiers: ClinVar variation 285503 (VCV000285503.18), dbSNP rs148497044, ClinGen allele CA3852197.

ClinVar aggregate classification (germline): Conflicting classifications of pathogenicity. Review status: criteria provided, conflicting classifications (1 of 4 stars). 4 submissions from 4 submitters: Uncertain significance (1); Likely benign (1). 2 of the submissions do not count toward it. Last evaluated 2026-01-25.

Conditions:
PKHD1-related disorder. Also called: PKHD1-related condition.
Autosomal recessive polycystic kidney disease (ARPKD). Also called: AR polycystic kidney disease. Identifiers: Orphanet 731, Orphanet 8378, MedGen C0085548, MeSH D017044, MONDO:0009889.

Allele frequency attached by ClinVar (database versions not stated): gnomAD exomes 0.00004 and 0.00011; ExAC 0.00005; TOPMed 0.00008; gnomAD 0.00009 and 0.00010; ESP Exome Variant Server 0.00015; 1000 Genomes Project 30x 0.00016; 1000 Genomes Project 0.00020.
gnomAD v4.1: 169 of 1,611,486 alleles (0.01%); highest among the groups gnomAD compares: Non-Finnish European, 0.013%; no homozygotes.

Submissions (4):

Labcorp Genetics (formerly Invitae), Labcorp
Classification: Likely benign for Autosomal recessive polycystic kidney disease. Last evaluated: 2026-01-25. Review status: criteria provided, single submitter. Criteria: Invitae Variant Classification Sherloc (09022015). Collection method: clinical testing. Allele origin: germline.

Eurofins Ntd Llc (ga)
Classification: Uncertain significance. Last evaluated: 2015-12-22. Review status: criteria provided, single submitter. Criteria: EGL Classification Definitions 2015. Collection method: clinical testing. Allele origin: germline. Observed: 1 variant allele, 1 heterozygote.

PreventionGenetics, part of Exact Sciences
Classification: Likely benign for PKHD1-related condition. Last evaluated: 2023-06-21. Review status: no assertion criteria provided. Collection method: clinical testing. Allele origin: germline. Not counted in ClinVar's aggregate classification.
Comment: This variant is classified as likely benign based on ACMG/AMP sequence variant interpretation guidelines (Richards et al. 2015 PMID: 25741868, with internal and published modifications).

Natera, Inc.
Classification: Uncertain significance for Autosomal recessive polycystic kidney disease. Last evaluated: 2018-05-10. Review status: no assertion criteria provided. Collection method: clinical testing. Allele origin: germline. Not counted in ClinVar's aggregate classification.